The following is an entry in ClinVar:

NM_001001331.4(ATP2B2):c.1759G>A (p.Val587Met)

Gene: ATP2B2 (ATPase plasma membrane Ca2+ transporting 2; minus strand). Cytogenetic location: 3p25.3.
Variant type: single nucleotide variant.
Coding change: c.1759G>A on transcript NM_001001331.4 (MANE Select); coding-DNA position 1759, G replaced by A.
Protein change: p.Val587Met; replaces valine 587 with methionine.
Molecular consequence: missense variant.
Genome position (GRCh38, 1-based): chr3:10,360,024, C>T on the plus strand (G>A on the coding strand, the complement: ATP2B2 is on the minus strand). VCF-style: chr3-10360024-C-T. GRCh37 (hg19) VCF-style: chr3-10401708-C-T.
Other names: c.1624G>A (NM_001683.3); c.1624G>A, p.Val542Met (NM_001330611.3, NM_001353564.1, NM_001363862.1 and 1 more transcripts); short protein forms V542M, V587M.
Identifiers: ClinVar variation 1484210 (VCV001484210.7), dbSNP rs759927011, ClinGen allele CA2253579.

ClinVar aggregate classification (germline): Uncertain significance. Review status: criteria provided, multiple submitters, no conflicts (2 of 4 stars). 2 submissions from 2 submitters: Uncertain significance (2). Last evaluated 2025-09-23.

gnomAD v4.1: 39 of 1,614,068 alleles (0.0024%); highest among the groups gnomAD compares: Admixed American, 0.012%; no homozygotes.

Submissions (2):

Labcorp Genetics (formerly Invitae), Labcorp
Classification: Uncertain significance. Last evaluated: 2025-09-23. Review status: criteria provided, single submitter. Criteria: Invitae Variant Classification Sherloc (09022015). Collection method: clinical testing. Allele origin: germline.
Comment: This sequence change replaces valine, which is neutral and non-polar, with methionine, which is neutral and non-polar, at codon 542 of the ATP2B2 protein (p.Val542Met). This variant is present in population databases (rs759927011, gnomAD 0.01%). This variant has not been reported in the literature in individuals affected with ATP2B2-related conditions. ClinVar contains an entry for this variant (Variation ID: 1484210). Invitae Evidence Modeling of protein sequence and biophysical properties (such as structural, functional, and spatial information, amino acid conservation, physicochemical variation, residue mobility, and thermodynamic stability) indicates that this missense variant is not expected to disrupt ATP2B2 protein function with a negative predictive value of 80%. In summary, the available evidence is currently insufficient to determine the role of this variant in disease. Therefore, it has been classified as a Variant of Uncertain Significance.

Ambry Genetics
Classification: Uncertain significance. Last evaluated: 2025-02-24. Review status: criteria provided, single submitter. Criteria: Ambry Variant Classification Scheme 2023. Collection method: clinical testing. Allele origin: germline.